The following is an entry in ClinVar:

ClinVar aggregate classification (germline): Benign/Likely benign. Review status: criteria provided, multiple submitters, no conflicts (2 of 4 stars). 8 submissions from 8 submitters: Benign (3); Likely benign (5). Last evaluated 2026-02-03.

Conditions:
Tuberous sclerosis 2 (TSC2). Identifiers: Orphanet 805, MedGen C1860707, MONDO:0013199, OMIM 613254.
Hereditary cancer-predisposing syndrome. Also called: Hereditary neoplastic syndrome; Tumor predisposition; Neoplastic Syndromes, Hereditary; Hereditary Cancer Syndrome. Identifiers: Orphanet 140162, MedGen C0027672, MeSH D009386, MONDO:0015356.

Allele frequency attached by ClinVar (database versions not stated): gnomAD exomes 0.00001 and 0.00002; ExAC 0.00002; gnomAD 0.00003 and 0.00004; TOPMed 0.00003.
gnomAD v4.1: 27 of 1,606,120 alleles (0.0017%); highest among the groups gnomAD compares: African/African-American, 0.0067%; no homozygotes.

Submissions (8):

Labcorp Genetics (formerly Invitae), Labcorp
Classification: Benign for Tuberous sclerosis 2. Last evaluated: 2026-02-03. Review status: criteria provided, single submitter. Criteria: Invitae Variant Classification Sherloc (09022015). Collection method: clinical testing. Allele origin: germline.

Mayo Clinic Laboratories, Mayo Clinic
Classification: Likely benign. Last evaluated: 2025-07-23. Review status: criteria provided, single submitter. Criteria: ACMG Guidelines, 2015. Collection method: clinical testing. Allele origin: germline. Observed: 1 variant allele.
Comment: BS1, BP4, BP7

Myriad Genetics, Inc.
Classification: Benign for Tuberous sclerosis 2. Last evaluated: 2025-06-02. Review status: criteria provided, single submitter. Criteria: Myriad Autosomal Dominant, Autosomal Recessive and X-Linked Classification Criteria (2023). Collection method: clinical testing. Allele origin: unknown.
Comment: This variant is considered benign. This variant is a silent/synonymous amino acid change and it is not expected to impact splicing.

CeGaT Center for Human Genetics Tuebingen
Classification: Likely benign. Last evaluated: 2024-09-01. Review status: criteria provided, single submitter. Criteria: CeGaT Center For Human Genetics Tuebingen Variant Classification Criteria Version 2. Collection method: clinical testing. Allele origin: germline. Affected: yes. Observed: 1 variant allele.
Comment: TSC2: BP4, BP7

Sema4
Classification: Likely benign for Hereditary cancer-predisposing syndrome. Last evaluated: 2021-12-11. Review status: criteria provided, single submitter. Criteria: Sema4 Curation Guidelines. Collection method: curation. Allele origin: germline.

Genome-Nilou Lab
Classification: Benign for Tuberous sclerosis 2. Last evaluated: 2021-11-07. Review status: criteria provided, single submitter. Criteria: ACMG Guidelines, 2015. Collection method: clinical testing. Allele origin: germline. Affected: no.

GeneDx
Classification: Likely benign. Last evaluated: 2021-01-06. Review status: criteria provided, single submitter. Criteria: GeneDx Variant Classification Process June 2021. Collection method: clinical testing. Allele origin: germline. Affected: yes.

Ambry Genetics
Classification: Likely benign for Hereditary cancer-predisposing syndrome. Last evaluated: 2016-05-17. Review status: criteria provided, single submitter. Criteria: Ambry Variant Classification Scheme 2023. Collection method: clinical testing. Allele origin: germline.

NM_000548.5(TSC2):c.4038G>A (p.Ser1346=)

Gene: TSC2 (TSC complex subunit 2; plus strand). Cytogenetic location: 16p13.3.
Variant type: single nucleotide variant.
Coding change: c.4038G>A on transcript NM_000548.5 (MANE Select); coding-DNA position 4038, G replaced by A.
Protein change: p.Ser1346=; no amino-acid change (serine 1346 retained).
Molecular consequence: synonymous variant.
Genome position (GRCh38, 1-based): chr16:2,084,260, G>A. VCF-style: chr16-2084260-G-A. GRCh37 (hg19) VCF-style: chr16-2134261-G-A.
Other names: p.Ser1346=; c.3837G>A, p.Ser1279= (NM_001077183.3); c.3969G>A, p.Ser1323= (NM_001114382.3); c.3729G>A, p.Ser1243= (NM_001318827.2); c.3693G>A, p.Ser1231= (NM_001318829.2); c.3306G>A, p.Ser1102= (NM_001318831.2); c.3870G>A, p.Ser1290= (NM_001318832.2); c.3840G>A, p.Ser1280= (NM_001363528.2); and 2 more.
Identifiers: ClinVar variation 480815 (VCV000480815.37), dbSNP rs756763596, ClinGen allele CA050255.